The following is an entry in ClinVar:

ClinVar aggregate classification (germline): Likely pathogenic (1 of 4 stars; one submission).

Conditions:
Autosomal recessive limb-girdle muscular dystrophy type 2J (LGMDR10). Also called: MUSCULAR DYSTROPHY, LIMB-GIRDLE, AUTOSOMAL RECESSIVE 10; Limb-girdle muscular dystrophy, type 2J. Identifiers: Orphanet 140922, MedGen C1837342, MONDO:0012127, OMIM 608807.
Dilated cardiomyopathy 1G (CMD1G). Identifiers: Orphanet 154, MedGen C1858763, MONDO:0011400, OMIM 604145.

Submission:

Labcorp Genetics (formerly Invitae), Labcorp
Classification: Likely pathogenic for Dilated cardiomyopathy 1G; Autosomal recessive limb-girdle muscular dystrophy type 2J. Last evaluated: 2025-12-23. Review status: criteria provided, single submitter. Criteria: Invitae Variant Classification Sherloc (09022015). Collection method: clinical testing. Allele origin: germline.
Comment: This sequence change creates a premature translational stop signal (p.Ser13981Valfs*19) in the TTN gene. While this is not anticipated to result in nonsense mediated decay, it is expected to create a truncated TTN protein. This variant is present in population databases (rs753895110, gnomAD 0.003%). This variant has not been reported in the literature in individuals affected with TTN-related conditions. This variant is located in the I band of TTN (PMID: 25589632). Truncating variants in this region have been reported in individuals affected with autosomal recessive centronuclear myopathy (PMID: 23975875, internal data). Truncating variants in this region have also been identified in individuals affected with autosomal dominant dilated cardiomyopathy and/or cardio-related conditions (PMID: 27869827, 32964742, internal data). In summary, the currently available evidence indicates that the variant is pathogenic, but additional data are needed to prove that conclusively. Therefore, this variant has been classified as Likely Pathogenic.

Literature cited by the submitters: PubMed 25589632; PubMed 23975875; PubMed 27869827; PubMed 32964742.

NM_001267550.2(TTN):c.41941del (p.Ser13981fs)

Gene: TTN (titin; minus strand). Cytogenetic location: 2q31.2.
Variant type: Deletion.
Coding change: c.41941del on transcript NM_001267550.2 (MANE Select); coding-DNA position 41941, one base deleted (A; older notation c.41941delA).
Protein change: p.Ser13981fs; shifts the reading frame from serine 13981.
Molecular consequence: frameshift variant.
Genome position (GRCh38, 1-based): chr2:178,635,248, T deleted on the plus strand (A on the coding strand, the reverse complement: TTN is on the minus strand); the first of 3 consecutive T bases (chr2:178,635,248-178,635,250); deleting any one gives the same sequence. VCF-style (leftmost placement, unchanged base first): chr2-178635247-CT-C. GRCh37 (hg19) VCF-style: chr2-179499974-CT-C.
Other names: c.37018del, p.Ser12340fs (NM_001256850.1); c.14746del, p.Ser4916fs (NM_003319.4); c.34237del, p.Ser11413fs (NM_133378.4); c.15121del, p.Ser5041fs (NM_133432.3); c.15322del, p.Ser5108fs (NM_133437.4); short protein forms S12340fs, S4916fs, S5041fs, S5108fs, S13981fs, S11413fs.
Identifiers: ClinVar variation 4793408 (VCV004793408.1).